The following is an entry in ClinVar:

ClinVar aggregate classification (germline): Pathogenic (1 of 4 stars; one submission).

Submission:

Labcorp Genetics (formerly Invitae), Labcorp
Classification: Pathogenic. Last evaluated: 2022-08-19. Review status: criteria provided, single submitter. Criteria: Invitae Variant Classification Sherloc (09022015). Collection method: clinical testing. Allele origin: germline.
Comment: For these reasons, this variant has been classified as Pathogenic. This variant has not been reported in the literature in individuals affected with LAMA3-related conditions. This sequence change creates a premature translational stop signal (p.Lys732Asnfs*6) in the LAMA3 gene. It is expected to result in an absent or disrupted protein product. Loss-of-function variants in LAMA3 are known to be pathogenic (PMID: 10366601, 11810295, 12915477, 16473856, 17362460, 22434185, 23869449, 27827380, 28087116). This variant is not present in population databases (gnomAD no frequency).

Literature cited by the submitters: PubMed 10366601; PubMed 11810295; PubMed 12915477; PubMed 16473856; PubMed 17362460; PubMed 22434185; PubMed 23869449; PubMed 27827380; PubMed 28087116.

NM_198129.4(LAMA3):c.7023_7027del (p.Lys2341fs)

Gene: LAMA3 (laminin subunit alpha 3; plus strand). Cytogenetic location: 18q11.2.
Variant type: Deletion.
Coding change: c.7023_7027del on transcript NM_198129.4 (MANE Select); coding-DNA positions 7023 to 7027, 5 bases deleted (GTTAA; older notation c.7023_7027delGTTAA).
Protein change: p.Lys2341fs; shifts the reading frame from lysine 2341.
Molecular consequence: frameshift variant.
Genome position (GRCh38, 1-based): chr18:23,909,160-23,909,164, GTTAA deleted; deleting any 5 consecutive bases within chr18:23,909,157-23,909,164 gives the same sequence; the c. name uses the placement nearest the transcript's 3' end. VCF-style (leftmost placement, unchanged base first): chr18-23909156-ATAAGT-A. GRCh37 (hg19) VCF-style: chr18-21489120-ATAAGT-A.
Other names: c.2196_2200del, p.Lys732fs (NM_000227.6); c.6855_6859del, p.Lys2285fs (NM_001127717.4); c.2028_2032del, p.Lys676fs (NM_001127718.4); short protein forms K2285fs, K676fs, K2341fs, K732fs.
Identifiers: ClinVar variation 2022732 (VCV002022732.4), dbSNP rs2511440529, ClinGen allele CA2580095510.
Genomic context (GRCh38, chr18:23,909,156, plus strand): 5'-TAGTTAGCCTTTTCTTAATGCACAATCTTACATTTCTATTTTTTTTCTCACCAACAGTGA[ATAAGT>A]TAACCAACAAACTACCTGATCTTTGGCGCAAGATTGAAAGTATCAACCAACAGCTGTTGC-3'